The following is an entry in ClinVar:

NM_052947.4(ALPK2):c.157G>A (p.Asp53Asn)

Gene: ALPK2 (alpha kinase 2; minus strand). Cytogenetic location: 18q21.32.
Variant type: single nucleotide variant.
Coding change: c.157G>A on transcript NM_052947.4 (MANE Select); coding-DNA position 157, G replaced by A.
Protein change: p.Asp53Asn; replaces aspartic acid 53 with asparagine.
Molecular consequence: missense variant.
Genome position (GRCh38, 1-based): chr18:58,607,392, C>T on the plus strand (G>A on the coding strand, the complement: ALPK2 is on the minus strand). VCF-style: chr18-58607392-C-T. GRCh37 (hg19) VCF-style: chr18-56274624-C-T.
Other names: short protein forms D53N.
Identifiers: ClinVar variation 1775658 (VCV001775658.2), dbSNP rs565612566, ClinGen allele CA8977521.

ClinVar aggregate classification (germline): Uncertain significance (1 of 4 stars; one submission).

Allele frequency attached by ClinVar (database versions not stated): gnomAD exomes 0.00001; ExAC 0.00003; gnomAD 0.00003; 1000 Genomes Project 0.00020; 1000 Genomes Project 30x 0.00031.
gnomAD v4.1: 16 of 1,613,528 alleles (0.00099%); highest among the groups gnomAD compares: Admixed American, 0.005%; no homozygotes.

Submission:

Ambry Genetics
Classification: Uncertain significance. Last evaluated: 2023-11-22. Review status: criteria provided, single submitter. Criteria: Ambry Variant Classification Scheme 2023. Collection method: clinical testing. Allele origin: germline.
Comment: The p.D53N variant (also known as c.157G>A), located in coding exon 2 of the ALPK2 gene, results from a G to A substitution at nucleotide position 157. The aspartic acid at codon 53 is replaced by asparagine, an amino acid with highly similar properties. This amino acid position is conserved. In addition, this alteration is predicted to be tolerated by in silico analysis. Since supporting evidence is limited at this time, the clinical significance of this alteration remains unclear.